The following is an entry in ClinVar:

NC_000008.10:g.(?_118788188)_(118817001_?)del

Gene: EXT1 (exostosin glycosyltransferase 1; minus strand). Cytogenetic location: 8q24.11.
Variant type: Deletion.
Identifiers: ClinVar variation 3245409 (VCV003245409.1).

ClinVar aggregate classification (germline): Pathogenic (1 of 4 stars; one submission).

Conditions:
Multiple congenital exostosis (EXT). Also called: Multiple exostoses; MULTIPLE CARTILAGINOUS EXOSTOSES; Multiple osteochondromas; Hereditary multiple osteochondromas; Hereditary multiple exostoses; Hereditary multiple exostosis. Identifiers: Orphanet 321, MedGen C0015306, MONDO:0005508, HP:0002762.

Submission:

Labcorp Genetics (formerly Invitae), Labcorp
Classification: Pathogenic for Multiple congenital exostosis. Last evaluated: 2021-10-15. Review status: criteria provided, single submitter. Criteria: Invitae Variant Classification Sherloc (09022015). Collection method: clinical testing. Allele origin: unknown.
Comment: For these reasons, this variant has been classified as Pathogenic. This variant disrupts a region of the EXT1 protein in which other variant(s) (p.Arg701* ) have been determined to be pathogenic (PMID: 11170095, 26690531). This suggests that this is a clinically significant region of the protein, and that variants that disrupt it are likely to be disease-causing. This variant has not been reported in the literature in individuals affected with EXT1-related conditions. This variant results in the deletion of c.2015_*23763del of the EXT1 gene. While this deletion is not anticipated to lead to nonsense mediated decay, it is expected to alter mRNA translation or result in a truncated protein product.

Literature cited by the submitters: PubMed 11170095; PubMed 26690531.